The following is an entry in ClinVar:

NM_001348743.2(KIDINS220):c.3908_3911del (p.Asp1303fs)

Gene: KIDINS220 (kinase D interacting substrate 220; minus strand). Cytogenetic location: 2p25.1.
Variant type: Microsatellite.
Coding change: c.3908_3911del on transcript NM_001348743.2; coding-DNA positions 3908 to 3911, 4 bases deleted (ATAG; older notation c.3908_3911delATAG).
Protein change: p.Asp1303fs; shifts the reading frame from aspartic acid 1303.
Molecular consequence: frameshift variant. On other transcripts: non-coding transcript variant (2).
Genome position (GRCh38, 1-based): chr2:8,726,915-8,726,918, CTAT deleted on the plus strand (ATAG on the coding strand, the reverse complement: KIDINS220 is on the minus strand); deleting any 4 consecutive bases within chr2:8,726,915-8,726,924 gives the same sequence; the c. name uses the placement nearest the transcript's 3' end. VCF-style (leftmost placement, unchanged base first): chr2-8726914-GCTAT-G. GRCh37 (hg19) VCF-style: chr2-8867044-GCTAT-G.
Other names: c.4022_4025del, p.Asp1341fs (NM_001348738.2); c.3911_3914del, p.Asp1304fs (NM_001348739.2, NM_001348740.2); c.3908_3911del, p.Asp1303fs (NM_001348741.2, NM_001348742.2); short protein forms D1303fs, D1304fs, D1341fs.
Identifiers: ClinVar variation 3044347 (VCV003044347.3), dbSNP rs1233193294, ClinGen allele CA530499488.

ClinVar aggregate classification (germline): Likely benign (1 of 4 stars; one submission).

Conditions:
KIDINS220-related disorder. Also called: KIDINS220-related condition.

Submission:

PreventionGenetics, part of Exact Sciences
Classification: Likely benign for KIDINS220-related condition. Last evaluated: 2026-01-20. Review status: criteria provided, single submitter. Criteria: ACMG Guidelines, 2015. Collection method: clinical testing. Allele origin: germline.
Comment: This variant is classified as likely benign based on ACMG/AMP sequence variant interpretation guidelines (Richards et al. 2015 PMID: 25741868, with internal and published modifications).